The following is an entry in ClinVar:

NM_002470.4(MYH3):c.442C>T (p.Arg148Cys)

Gene: MYH3 (myosin heavy chain 3; minus strand). Cytogenetic location: 17p13.1.
Variant type: single nucleotide variant.
Coding change: c.442C>T on transcript NM_002470.4 (MANE Select); coding-DNA position 442, C replaced by T.
Protein change: p.Arg148Cys; replaces arginine 148 with cysteine.
Molecular consequence: missense variant.
Genome position (GRCh38, 1-based): chr17:10,651,575, G>A on the plus strand (C>T on the coding strand, the complement: MYH3 is on the minus strand). VCF-style: chr17-10651575-G-A. GRCh37 (hg19) VCF-style: chr17-10554892-G-A.
Other names: short protein forms R148C.
Identifiers: ClinVar variation 1936478 (VCV001936478.5), dbSNP rs1349571031, ClinGen allele CA398114836.

ClinVar aggregate classification (germline): Uncertain significance (1 of 4 stars; one submission).

Allele frequency attached by ClinVar (database versions not stated): 1000 Genomes Project 30x 0.00016.
gnomAD v4.1: 10 of 1,614,002 alleles (0.00062%); highest among the groups gnomAD compares: African/African-American, 0.0053%; no homozygotes.

Submission:

Labcorp Genetics (formerly Invitae), Labcorp
Classification: Uncertain significance. Last evaluated: 2025-08-30. Review status: criteria provided, single submitter. Criteria: Invitae Variant Classification Sherloc (09022015). Collection method: clinical testing. Allele origin: germline.
Comment: This sequence change replaces arginine, which is basic and polar, with cysteine, which is neutral and slightly polar, at codon 148 of the MYH3 protein (p.Arg148Cys). This variant is not present in population databases (gnomAD no frequency). This variant has not been reported in the literature in individuals affected with MYH3-related conditions. ClinVar contains an entry for this variant (Variation ID: 1936478). Invitae Evidence Modeling of protein sequence and biophysical properties (such as structural, functional, and spatial information, amino acid conservation, physicochemical variation, residue mobility, and thermodynamic stability) has been performed for this missense variant. However, the output from this modeling did not meet the statistical confidence thresholds required to predict the impact of this variant on MYH3 protein function. In summary, the available evidence is currently insufficient to determine the role of this variant in disease. Therefore, it has been classified as a Variant of Uncertain Significance.